The following is an entry in ClinVar:

NM_000548.5(TSC2):c.2961_2966+3del

Gene: TSC2 (TSC complex subunit 2; plus strand). Cytogenetic location: 16p13.3.
Variant type: Deletion.
Coding change: c.2961_2966+3del on transcript NM_000548.5 (MANE Select); coding-DNA position 2961 through 3 bases into the intron after coding-DNA position 2966, 9 bases deleted (CCGCAGGTA; older notation c.2961_2966+3delCCGCAGGTA).
Molecular consequence: splice donor variant. On other transcripts: intron variant (9).
Genome position (GRCh38, 1-based): chr16:2,077,721-2,077,729, CCGCAGGTA deleted. VCF-style (leftmost placement, unchanged base first): chr16-2077720-TCCGCAGGTA-T. GRCh37 (hg19) VCF-style: chr16-2127721-TCCGCAGGTA-T.
Other names: c.2961_2966+3del (NM_001114382.3); c.2837+1136_2837+1144del (NM_021055.3, NM_001370405.1, NM_001363528.2 and 2 more transcripts); c.2726+1136_2726+1144del (NM_001318827.2); c.2237+1136_2237+1144del (NM_001318831.2); c.2690+1136_2690+1144del (NM_001318829.2); c.2870+1136_2870+1144del (NM_001318832.2); c.2961_2966+3delCCGCAGGTA (NM_000548.3).
Identifiers: ClinVar variation 2115946 (VCV002115946.5), dbSNP rs2543979624, ClinGen allele CA2580090905.

ClinVar aggregate classification (germline): Uncertain significance. Review status: criteria provided, multiple submitters, no conflicts (2 of 4 stars). 2 submissions from 2 submitters: Uncertain significance (2). Last evaluated 2024-10-04.

Conditions:
Tuberous sclerosis 2 (TSC2). Identifiers: Orphanet 805, MedGen C1860707, MONDO:0013199, OMIM 613254.
Hereditary cancer-predisposing syndrome. Also called: Tumor predisposition; Hereditary Cancer Syndrome; Neoplastic Syndromes, Hereditary; Hereditary neoplastic syndrome. Identifiers: Orphanet 140162, MedGen C0027672, MeSH D009386, MONDO:0015356.

Submissions (2):

Ambry Genetics
Classification: Uncertain significance for Hereditary cancer-predisposing syndrome. Last evaluated: 2024-10-04. Review status: criteria provided, single submitter. Criteria: Ambry Variant Classification Scheme 2023. Collection method: clinical testing. Allele origin: germline.
Comment: The c.2961_2966+3delCCGCAGGTA variant results from a deletion of 9 nucleotides between positions c.2961 and c.2966+3 and involves the canonical splice donor site after coding exon 25 of the TSC2 gene. The canonical splice donor region is not well conserved in available vertebrate species. Alterations that disrupt the canonical splice site are expected to cause aberrant splicing, resulting in an abnormal protein or a transcript that is subject to nonsense-mediated mRNA decay. However, this variant occurs in an exon that is absent in biologically relevant transcripts (Ekong R et al. Hum. Mutat. 2016 Apr; 37:362-70). Based on the available evidence, the clinical significance of this alteration remains unclear.

Labcorp Genetics (formerly Invitae), Labcorp
Classification: Uncertain significance for Tuberous sclerosis 2. Last evaluated: 2022-12-02. Review status: criteria provided, single submitter. Criteria: Invitae Variant Classification Sherloc (09022015). Collection method: clinical testing. Allele origin: germline.
Comment: In summary, the available evidence is currently insufficient to determine the role of this variant in disease. Therefore, it has been classified as a Variant of Uncertain Significance. Algorithms developed to predict the effect of sequence changes on RNA splicing suggest that this variant may disrupt the consensus splice site. This variant has not been reported in the literature in individuals affected with TSC2-related conditions. This variant is not present in population databases (gnomAD no frequency). This variant results in the deletion of part of exon 26 (c.2961_2966+3del) of the TSC2 gene. Loss-of-function variants in TSC2 are known to be pathogenic (PMID: 10205261, 17304050). However, tissue-specific alternative splicing of TSC2 gene results in a functional isoform lacking in-frame exon 26 (also known as exon 25, PMID: 26703369). For this reason the clinical significance of loss of function variants in exon 26 is currently uncertain.

Literature cited by the submitters: PubMed 10205261 (cited by Labcorp Genetics (formerly Invitae), Labcorp); PubMed 17304050 (cited by Labcorp Genetics (formerly Invitae), Labcorp).